The following is an entry in ClinVar:

ClinVar aggregate classification (germline): Uncertain significance (1 of 4 stars; one submission).

Conditions:
Neurofibromatosis, type 1 (NF1). Also called: Neurofibromatosis, type I; Peripheral type neurofibromatosis; VON RECKLINGHAUSEN DISEASE; NEUROFIBROMATOSIS, TYPE I, SOMATIC. Identifiers: Orphanet 636, MedGen C0027831, MONDO:0018975, OMIM 162200. Disease mechanism: loss of function.

Allele frequency attached by ClinVar (database versions not stated): TOPMed below 0.00001.
gnomAD v4.1: 1 of 1,613,668 alleles (0.000062%); no homozygotes.

Submission:

Labcorp Genetics (formerly Invitae), Labcorp
Classification: Uncertain significance for Neurofibromatosis, type 1. Last evaluated: 2021-11-05. Review status: criteria provided, single submitter. Criteria: Invitae Variant Classification Sherloc (09022015). Collection method: clinical testing. Allele origin: germline.
Comment: In summary, the available evidence is currently insufficient to determine the role of this variant in disease. Therefore, it has been classified as a Variant of Uncertain Significance. Advanced modeling of protein sequence and biophysical properties (such as structural, functional, and spatial information, amino acid conservation, physicochemical variation, residue mobility, and thermodynamic stability) performed at Invitae indicates that this missense variant is not expected to disrupt NF1 protein function. This variant has not been reported in the literature in individuals affected with NF1-related conditions. This variant is not present in population databases (gnomAD no frequency). This sequence change replaces valine, which is neutral and non-polar, with isoleucine, which is neutral and non-polar, at codon 289 of the NF1 protein (p.Val289Ile).

NM_001042492.3(NF1):c.865G>A (p.Val289Ile)

Gene: NF1 (neurofibromin 1; plus strand). Cytogenetic location: 17q11.2.
Variant type: single nucleotide variant.
Coding change: c.865G>A on transcript NM_001042492.3 (MANE Select); coding-DNA position 865, G replaced by A.
Protein change: p.Val289Ile; replaces valine 289 with isoleucine.
Molecular consequence: missense variant.
Genome position (GRCh38, 1-based): chr17:31,182,642, G>A. VCF-style: chr17-31182642-G-A. GRCh37 (hg19) VCF-style: chr17-29509660-G-A.
Other names: c.865G>A, p.Val289Ile (NM_000267.4, NM_001128147.3); short protein forms V289I.
Identifiers: ClinVar variation 1515910 (VCV001515910.6), dbSNP rs1326607708, ClinGen allele CA398991192.